The following is an entry in ClinVar:

ClinVar aggregate classification (germline): Pathogenic (1 of 4 stars; one submission).

Conditions:
Bainbridge-Ropers syndrome. Also called: Severe feeding difficulties-failure to thrive-microcephaly due to ASXL3 deficiency syndrome. Identifiers: Orphanet 352577, MedGen C4750837, MONDO:0014205, OMIM 615485.

Submission:

Baylor Genetics
Classification: Pathogenic for Bainbridge-Ropers syndrome. Last evaluated: 2018-06-29. Review status: criteria provided, single submitter. Criteria: ACMG Guidelines, 2015. Collection method: clinical testing. Allele origin: de novo. Affected: yes.
Comment: This variant was determined to be pathogenic according to ACMG Guidelines, 2015 [PMID:25741868].

NM_030632.3(ASXL3):c.1444del (p.Ser482fs)

Gene: ASXL3 (ASXL transcriptional regulator 3; plus strand). Cytogenetic location: 18q12.1.
Variant type: Deletion.
Coding change: c.1444del on transcript NM_030632.3 (MANE Select); coding-DNA position 1444, one base deleted (A; older notation c.1444delA).
Protein change: p.Ser482fs; shifts the reading frame from serine 482.
Molecular consequence: frameshift variant.
Genome position (GRCh38, 1-based): chr18:33,738,848, A deleted; the last of 3 consecutive A bases (chr18:33,738,846-33,738,848); deleting any one gives the same sequence. VCF-style (leftmost placement, unchanged base first): chr18-33738845-GA-G. GRCh37 (hg19) VCF-style: chr18-31318809-GA-G.
Other names: short protein forms S482fs.
Identifiers: ClinVar variation 1031441 (VCV001031441.1), dbSNP rs2067595880, ClinGen allele CA2294855705.